The following is an entry in ClinVar:

NM_000059.4(BRCA2):c.1187_1200del (p.Ser396fs)

Gene: BRCA2 (BRCA2 DNA repair associated; plus strand). Cytogenetic location: 13q13.1.
Variant type: Deletion.
Coding change: c.1187_1200del on transcript NM_000059.4 (MANE Select); coding-DNA positions 1187 to 1200, 14 bases deleted (CTCAACTAACCCTT).
Protein change: p.Ser396fs; shifts the reading frame from serine 396.
Molecular consequence: frameshift variant.
Genome position (GRCh38, 1-based): chr13:32,332,665-32,332,678, CTCAACTAACCCTT deleted; deleting any 14 consecutive bases within chr13:32,332,664-32,332,678 gives the same sequence; the c. name uses the placement nearest the transcript's 3' end. VCF-style (leftmost placement, unchanged base first): chr13-32332663-GTCTCAACTAACCCT-G. GRCh37 (hg19) VCF-style: chr13-32906800-GTCTCAACTAACCCT-G.
Other names: c.1187_1200delCTCAACTAACCCTT (NM_000059.3); short protein forms S396fs.
Identifiers: ClinVar variation 254488 (VCV000254488.2), dbSNP rs886038062, ClinGen allele CA10586491.

ClinVar aggregate classification (germline): Pathogenic (3 of 4 stars; one submission).

Conditions:
Breast-ovarian cancer, familial, susceptibility to, 2 (BROVCA2). Also called: BRCA2 Hereditary Breast and Ovarian Cancer. Identifiers: Orphanet 145, MedGen C2675520, MONDO:0012933, OMIM 612555. Disease mechanism: loss of function.

Submission:

Evidence-based Network for the Interpretation of Germline Mutant Alleles (ENIGMA)
Classification: Pathogenic for Breast-ovarian cancer, familial, susceptibility to, 2. Last evaluated: 2016-09-08. Review status: reviewed by expert panel. Criteria: ENIGMA BRCA1/2 Classification Criteria (2015). Collection method: curation. Allele origin: germline.
Comment: Variant allele predicted to encode a truncated non-functional protein.